The following is an entry in ClinVar:

ClinVar aggregate classification (germline): Conflicting classifications of pathogenicity. Review status: criteria provided, conflicting classifications (1 of 4 stars). 2 submissions from 2 submitters: Uncertain significance (1); Likely benign (1). Last evaluated 2024-05-02.

Conditions:
Cardiovascular phenotype. Identifiers: MedGen CN230736.
Long QT syndrome (LQTS). Identifiers: MedGen C0023976, MeSH D008133, MONDO:0002442. Disease mechanism: loss of function. Inheritance: Various modes of inheritance.

Allele frequency attached by ClinVar (database versions not stated): gnomAD exomes below 0.00001.
gnomAD v4.1: 2 of 1,613,932 alleles (0.00012%); highest among the groups gnomAD compares: Non-Finnish European, 0.00017%; no homozygotes.

Submissions (2):

Ambry Genetics
Classification: Likely benign for Cardiovascular phenotype. Last evaluated: 2024-05-02. Review status: criteria provided, single submitter. Criteria: Ambry Variant Classification Scheme 2023. Collection method: clinical testing. Allele origin: germline.

Labcorp Genetics (formerly Invitae), Labcorp
Classification: Uncertain significance for Long QT syndrome. Last evaluated: 2023-07-25. Review status: criteria provided, single submitter. Criteria: Invitae Variant Classification Sherloc (09022015). Collection method: clinical testing. Allele origin: germline.
Comment: Algorithms developed to predict the effect of missense changes on protein structure and function output the following: SIFT: "Not Available"; PolyPhen-2: "Benign"; Align-GVGD: "Not Available". The threonine amino acid residue is found in multiple mammalian species, which suggests that this missense change does not adversely affect protein function. In summary, the available evidence is currently insufficient to determine the role of this variant in disease. Therefore, it has been classified as a Variant of Uncertain Significance. This variant is not present in population databases (gnomAD no frequency). This variant has not been reported in the literature in individuals affected with AKAP9-related conditions. This sequence change replaces alanine, which is neutral and non-polar, with threonine, which is neutral and polar, at codon 2712 of the AKAP9 protein (p.Ala2712Thr).

NM_005751.5(AKAP9):c.8134G>A (p.Ala2712Thr)

Gene: AKAP9 (A-kinase anchoring protein 9; plus strand). Cytogenetic location: 7q21.2.
Variant type: single nucleotide variant.
Coding change: c.8134G>A on transcript NM_005751.5 (MANE Select); coding-DNA position 8134, G replaced by A.
Protein change: p.Ala2712Thr; replaces alanine 2712 with threonine.
Molecular consequence: missense variant.
Genome position (GRCh38, 1-based): chr7:92,082,636, G>A. VCF-style: chr7-92082636-G-A. GRCh37 (hg19) VCF-style: chr7-91711950-G-A.
Other names: c.2779G>A, p.Ala927Thr (NM_001379277.1); c.8110G>A, p.Ala2704Thr (NM_147185.3); short protein forms A2712T, A2704T, A927T.
Identifiers: ClinVar variation 2967819 (VCV002967819.4), dbSNP rs1813783655, ClinGen allele CA368137426.
Genomic context (GRCh38, chr7:92,082,636, plus strand): 5'-GAGGCTCTTAGAGCTGAATCAGTGGCTACCAAAGCAGAACTTGCCAGTTATAAAGAAAAG[G>A]CTGAAAAACTTCAAGAAGAGCTTTTGGTAAGATAAGTAACATAGCTCCTAATTCACTCAT-3'
Protein context (NP_005742.4, residues 2702-2722): KAELASYKEK[Ala2712Thr]EKLQEELLVK